The following is an entry in ClinVar:

ClinVar aggregate classification (germline): Uncertain significance. Review status: criteria provided, single submitter (1 of 4 stars). 2 submissions from 2 submitters: Uncertain significance (1). 1 of the submissions does not count toward it. Last evaluated 2025-06-23.

Conditions:
Myofibrillar myopathy 5. Also called: FILAMINOPATHY, AUTOSOMAL DOMINANT; Filaminopathy (type). Identifiers: Orphanet 171445, MedGen C1836050, MONDO:0012289, OMIM 609524.
Distal myopathy with posterior leg and anterior hand involvement. Also called: WILLIAMS DISTAL MYOPATHY. Identifiers: Orphanet 63273, MedGen C3279722, MONDO:0013550, OMIM 614065.
Hypertrophic cardiomyopathy 26. Also called: Cardiomyopathy, familial hypertrophic, 26. Identifiers: Orphanet 75249, MedGen C4310749, MONDO:0014883, OMIM 617047.

Submissions (2):

Labcorp Genetics (formerly Invitae), Labcorp
Classification: Uncertain significance for Distal myopathy with posterior leg and anterior hand involvement; Myofibrillar myopathy 5; Hypertrophic cardiomyopathy 26. Last evaluated: 2025-06-23. Review status: criteria provided, single submitter. Criteria: Invitae Variant Classification Sherloc (09022015). Collection method: clinical testing. Allele origin: germline.
Comment: This sequence change replaces alanine, which is neutral and non-polar, with aspartic acid, which is acidic and polar, at codon 103 of the FLNC protein (p.Ala103Asp). This variant is not present in population databases (gnomAD no frequency). This variant has not been reported in the literature in individuals affected with FLNC-related conditions. ClinVar contains an entry for this variant (Variation ID: 3252097). Invitae Evidence Modeling of protein sequence and biophysical properties (such as structural, functional, and spatial information, amino acid conservation, physicochemical variation, residue mobility, and thermodynamic stability) has been performed for this missense variant. However, the output from this modeling did not meet the statistical confidence thresholds required to predict the impact of this variant on FLNC protein function. In summary, the available evidence is currently insufficient to determine the role of this variant in disease. Therefore, it has been classified as a Variant of Uncertain Significance.

Institute of Human Genetics, University of Wuerzburg
Classification: Uncertain significance for Hypertrophic cardiomyopathy 26. Review status: no assertion criteria provided. Collection method: clinical testing. Allele origin: unknown. Affected: yes. Observed: 1 variant allele. Not counted in ClinVar's aggregate classification.

NM_001458.5(FLNC):c.308C>A (p.Ala103Asp)

Gene: FLNC (filamin C; plus strand). Cytogenetic location: 7q32.1.
Variant type: single nucleotide variant.
Coding change: c.308C>A on transcript NM_001458.5 (MANE Select); coding-DNA position 308, C replaced by A.
Protein change: p.Ala103Asp; replaces alanine 103 with aspartic acid.
Molecular consequence: missense variant.
Genome position (GRCh38, 1-based): chr7:128,830,945, C>A. VCF-style: chr7-128830945-C-A. GRCh37 (hg19) VCF-style: chr7-128470999-C-A.
Other names: c.308C>A, p.Ala103Asp (NM_001127487.2); short protein forms A103D.
Identifiers: ClinVar variation 3252097 (VCV003252097.2), dbSNP rs2128932236.